The following is an entry in ClinVar:

NM_000426.4(LAMA2):c.9241A>G (p.Ser3081Gly)

Gene: LAMA2 (laminin subunit alpha 2; plus strand). Cytogenetic location: 6q22.33.
Variant type: single nucleotide variant.
Coding change: c.9241A>G on transcript NM_000426.4 (MANE Select); coding-DNA position 9241, A replaced by G.
Protein change: p.Ser3081Gly; replaces serine 3081 with glycine.
Molecular consequence: missense variant.
Genome position (GRCh38, 1-based): chr6:129,516,219, A>G. VCF-style: chr6-129516219-A-G. GRCh37 (hg19) VCF-style: chr6-129837364-A-G.
Other names: c.9229A>G, p.Ser3077Gly (NM_001079823.2); short protein forms S3081G, S3077G.
Identifiers: ClinVar variation 2146597 (VCV002146597.1), dbSNP rs1047293004, ClinGen allele CA146928189.

ClinVar aggregate classification (germline): Uncertain significance (1 of 4 stars; one submission).

Conditions:
LAMA2-related muscular dystrophy (LAMA2-RD). Also called: Laminin alpha 2-related dystrophy. Identifiers: MedGen C5679788, MONDO:0100228.

Allele frequency attached by ClinVar (database versions not stated): gnomAD exomes 0.00001.
gnomAD v4.1: 11 of 1,614,146 alleles (0.00068%); highest among the groups gnomAD compares: Non-Finnish European, 0.00093%; no homozygotes.

Submission:

Labcorp Genetics (formerly Invitae), Labcorp
Classification: Uncertain significance for LAMA2-related muscular dystrophy. Last evaluated: 2022-08-22. Review status: criteria provided, single submitter. Criteria: Invitae Variant Classification Sherloc (09022015). Collection method: clinical testing. Allele origin: germline.
Comment: This sequence change replaces serine, which is neutral and polar, with glycine, which is neutral and non-polar, at codon 3081 of the LAMA2 protein (p.Ser3081Gly). This variant is not present in population databases (gnomAD no frequency). This variant has not been reported in the literature in individuals affected with LAMA2-related conditions. Advanced modeling of protein sequence and biophysical properties (such as structural, functional, and spatial information, amino acid conservation, physicochemical variation, residue mobility, and thermodynamic stability) performed at Invitae indicates that this missense variant is not expected to disrupt LAMA2 protein function. In summary, the available evidence is currently insufficient to determine the role of this variant in disease. Therefore, it has been classified as a Variant of Uncertain Significance.